The following is an entry in ClinVar:

NM_013432.5(TONSL):c.1958C>T (p.Thr653Met)

Genes: TONSL (tonsoku like, DNA repair protein; minus strand), TONSL-AS1 (TONSL antisense RNA 1; plus strand). Cytogenetic location: 8q24.3.
Variant type: single nucleotide variant.
Coding change: c.1958C>T on transcript NM_013432.5 (MANE Select); coding-DNA position 1958, C replaced by T.
Protein change: p.Thr653Met; replaces threonine 653 with methionine.
Molecular consequence: missense variant.
Genome position (GRCh38, 1-based): chr8:144,436,614, G>A on the plus strand (C>T on the coding strand, the complement: TONSL is on the minus strand). VCF-style: chr8-144436614-G-A. GRCh37 (hg19) VCF-style: chr8-145661997-G-A.
Other names: short protein forms T653M.
Identifiers: ClinVar variation 982207 (VCV000982207.4), dbSNP rs755055463, ClinGen allele CA4942984.

ClinVar aggregate classification (germline): Uncertain significance. Review status: criteria provided, multiple submitters, no conflicts (2 of 4 stars). 3 submissions from 3 submitters: Uncertain significance (2). 1 of the submissions does not count toward it. Last evaluated 2022-06-25.

Conditions:
Skeletal dysplaisia with extra-skeletal manifestations.

Allele frequency attached by ClinVar (database versions not stated): TOPMed below 0.00001; ExAC 0.00001; gnomAD 0.00001; gnomAD exomes 0.00002.
gnomAD v4.1: 27 of 1,611,812 alleles (0.0017%); highest among the groups gnomAD compares: Non-Finnish European, 0.0021%; no homozygotes.

Submissions (3):

Labcorp Genetics (formerly Invitae), Labcorp
Classification: Uncertain significance. Last evaluated: 2022-06-25. Review status: criteria provided, single submitter. Criteria: Invitae Variant Classification Sherloc (09022015). Collection method: clinical testing. Allele origin: germline.
Comment: This sequence change replaces threonine, which is neutral and polar, with methionine, which is neutral and non-polar, at codon 653 of the TONSL protein (p.Thr653Met). This variant is present in population databases (rs755055463, gnomAD 0.007%). This missense change has been observed in individual(s) with spondylometaphyseal dysplasia (PMID: 30773277). ClinVar contains an entry for this variant (Variation ID: 982207). Algorithms developed to predict the effect of missense changes on protein structure and function are either unavailable or do not agree on the potential impact of this missense change (SIFT: "Deleterious"; PolyPhen-2: "Probably Damaging"; Align-GVGD: "Class C0"). In summary, the available evidence is currently insufficient to determine the role of this variant in disease. Therefore, it has been classified as a Variant of Uncertain Significance.

GeneDx
Classification: Uncertain significance. Last evaluated: 2021-05-19. Review status: criteria provided, single submitter. Criteria: GeneDx Variant Classification Process June 2021. Collection method: clinical testing. Allele origin: germline. Affected: yes.
Comment: In silico analysis supports that this missense variant has a deleterious effect on protein structure/function; In-silico analysis, which includes splice predictors and evolutionary conservation, is inconclusive as to whether the variant alters gene splicing. In the absence of RNA/functional studies, the actual effect of this sequence change is unknown.; This variant is associated with the following publications: (PMID: 30773277)

University of Washington Center for Mendelian Genomics, University of Washington
Classification: Likely pathogenic for Skeletal dysplaisia with extra-skeletal manifestations. Review status: no assertion criteria provided. Collection method: research. Allele origin: inherited. Affected: yes. Not counted in ClinVar's aggregate classification.

Literature cited by the submitters: PubMed 30773277 (cited by Labcorp Genetics (formerly Invitae), Labcorp and University of Washington Center for Mendelian Genomics, University of Washington).